The following is an entry in ClinVar:

NM_001042492.3(NF1):c.2498C>T (p.Ser833Phe)

Gene: NF1 (neurofibromin 1; plus strand). Cytogenetic location: 17q11.2.
Variant type: single nucleotide variant.
Coding change: c.2498C>T on transcript NM_001042492.3 (MANE Select); coding-DNA position 2498, C replaced by T.
Protein change: p.Ser833Phe; replaces serine 833 with phenylalanine.
Molecular consequence: missense variant.
Genome position (GRCh38, 1-based): chr17:31,229,113, C>T. VCF-style: chr17-31229113-C-T. GRCh37 (hg19) VCF-style: chr17-29556131-C-T.
Other names: c.2498C>T, p.Ser833Phe (NM_000267.4); short protein forms S833F.
Identifiers: ClinVar variation 1046295 (VCV001046295.6), dbSNP rs2067066207, ClinGen allele CA398984091.
Genomic context (GRCh38, chr17:31,229,113, plus strand): 5'-TTAAGAGGCGAATGTCCCATGTGAGTGGAGGAGGATCCATAGATTTGTCTGACACAGACT[C>T]CCTACAGGAATGGATCAACATGACTGGCTTCCTTTGTGCCCTTGGGGGAGTGTGCCTCCA-3'
Protein context (NP_001035957.1, residues 823-843): GGSIDLSDTD[Ser833Phe]LQEWINMTGF

ClinVar aggregate classification (germline): Uncertain significance. Review status: criteria provided, multiple submitters, no conflicts (2 of 4 stars). 2 submissions from 2 submitters: Uncertain significance (2). Last evaluated 2025-03-10.

Conditions:
Hereditary cancer-predisposing syndrome. Also called: Hereditary neoplastic syndrome; Neoplastic Syndromes, Hereditary; Tumor predisposition; Hereditary Cancer Syndrome. Identifiers: Orphanet 140162, MedGen C0027672, MeSH D009386, MONDO:0015356.
Cardiovascular phenotype. Identifiers: MedGen CN230736.
Neurofibromatosis, type 1 (NF1). Also called: VON RECKLINGHAUSEN DISEASE; NEUROFIBROMATOSIS, TYPE I, SOMATIC; Peripheral type neurofibromatosis; Neurofibromatosis, type I. Identifiers: Orphanet 636, MedGen C0027831, MONDO:0018975, OMIM 162200. Disease mechanism: loss of function.

Submissions (2):

Ambry Genetics
Classification: Uncertain significance for Cardiovascular phenotype; Hereditary cancer-predisposing syndrome. Last evaluated: 2025-03-10. Review status: criteria provided, single submitter. Criteria: Ambry Variant Classification Scheme 2023. Collection method: clinical testing. Allele origin: germline.
Comment: The p.S833F variant (also known as c.2498C>T), located in coding exon 21 of the NF1 gene, results from a C to T substitution at nucleotide position 2498. The serine at codon 833 is replaced by phenylalanine, an amino acid with highly dissimilar properties. This amino acid position is highly conserved in available vertebrate species. In addition, this alteration is predicted to be tolerated by in silico analysis. Based on the available evidence, the clinical significance of this variant remains unclear.

Labcorp Genetics (formerly Invitae), Labcorp
Classification: Uncertain significance for Neurofibromatosis, type 1. Last evaluated: 2024-04-22. Review status: criteria provided, single submitter. Criteria: Invitae Variant Classification Sherloc (09022015). Collection method: clinical testing. Allele origin: germline.
Comment: This sequence change replaces serine, which is neutral and polar, with phenylalanine, which is neutral and non-polar, at codon 833 of the NF1 protein (p.Ser833Phe). This variant is not present in population databases (gnomAD no frequency). This variant has not been reported in the literature in individuals affected with NF1-related conditions. ClinVar contains an entry for this variant (Variation ID: 1046295). Advanced modeling of protein sequence and biophysical properties (such as structural, functional, and spatial information, amino acid conservation, physicochemical variation, residue mobility, and thermodynamic stability) performed at Invitae indicates that this missense variant is not expected to disrupt NF1 protein function with a negative predictive value of 95%. In summary, the available evidence is currently insufficient to determine the role of this variant in disease. Therefore, it has been classified as a Variant of Uncertain Significance.